The following is an entry in ClinVar:

NM_001378454.1(ALMS1):c.3961G>T (p.Asp1321Tyr)

Gene: ALMS1 (ALMS1 centrosome and basal body associated protein; plus strand). Cytogenetic location: 2p13.1.
Variant type: single nucleotide variant.
Coding change: c.3961G>T on transcript NM_001378454.1 (MANE Select); coding-DNA position 3961, G replaced by T.
Protein change: p.Asp1321Tyr; replaces aspartic acid 1321 with tyrosine.
Molecular consequence: missense variant.
Genome position (GRCh38, 1-based): chr2:73,450,488, G>T. VCF-style: chr2-73450488-G-T. GRCh37 (hg19) VCF-style: chr2-73677615-G-T.
Other names: c.3964G>T, p.Asp1322Tyr (NM_015120.4); short protein forms D1322Y, D1321Y.
Identifiers: ClinVar variation 1515733 (VCV001515733.4), dbSNP rs2103780841, ClinGen allele CA347277166.
Genomic context (GRCh38, chr2:73,450,488, plus strand): 5'-TTGCCAAGTAGTCATCTAACTGAAGAGGCTAAGAATGTTTCAGCGGTTCCTGGACCAGCT[G>T]ACCAGAAGACTGTGATACCAATTTTACCCTCTACTTTCTACTCACACACAGAGAAGCCTG-3'
Protein context (NP_001365383.1, residues 1311-1331): KNVSAVPGPA[Asp1321Tyr]QKTVIPILPS

ClinVar aggregate classification (germline): Uncertain significance (1 of 4 stars; one submission).

Conditions:
Alstrom syndrome (ALMS). Identifiers: Orphanet 64, MedGen C0268425, MONDO:0008763, OMIM 203800.

Submission:

Labcorp Genetics (formerly Invitae), Labcorp
Classification: Uncertain significance for Alstrom syndrome. Last evaluated: 2021-06-17. Review status: criteria provided, single submitter. Criteria: Invitae Variant Classification Sherloc (09022015). Collection method: clinical testing. Allele origin: germline.
Comment: This sequence change replaces aspartic acid with tyrosine at codon 1322 of the ALMS1 protein (p.Asp1322Tyr). The aspartic acid residue is moderately conserved and there is a large physicochemical difference between aspartic acid and tyrosine. This variant is not present in population databases (ExAC no frequency). In summary, the available evidence is currently insufficient to determine the role of this variant in disease. Therefore, it has been classified as a Variant of Uncertain Significance. Experimental studies and prediction algorithms are not available or were not evaluated, and the functional significance of this variant is currently unknown. This variant has not been reported in the literature in individuals with ALMS1-related conditions.